The following is an entry in ClinVar:

NM_007294.4(BRCA1):c.2704G>T (p.Glu902Ter)

Gene: BRCA1 (BRCA1 DNA repair associated; minus strand). Cytogenetic location: 17q21.31.
Variant type: single nucleotide variant.
Coding change: c.2704G>T on transcript NM_007294.4 (MANE Select); coding-DNA position 2704, G replaced by T.
Protein change: p.Glu902Ter; replaces glutamic acid 902 with a stop codon.
Molecular consequence: nonsense. On other transcripts: intron variant (137).
Genome position (GRCh38, 1-based): chr17:43,092,827, C>A on the plus strand (G>T on the coding strand, the complement: BRCA1 is on the minus strand). VCF-style: chr17-43092827-C-A. GRCh37 (hg19) VCF-style: chr17-41244844-C-A.
Other names: c.2704G>T, p.Glu902Ter (NM_001407582.1, NM_001407583.1, NM_001407585.1 and 30 more transcripts); c.788-1795G>T (NM_001407979.1, NM_001407977.1, NM_001407982.1 and 17 more transcripts); c.647-1795G>T (NM_001408410.1, NM_001408458.1, NM_001408469.1 and 11 more transcripts); c.710-1795G>T (NM_001408415.1, NM_001408412.1, NM_001408409.1 and 2 more transcripts); c.2701G>T, p.Glu901Ter (NM_001407587.1, NM_001407590.1, NM_001407591.1 and 22 more transcripts); c.578-1795G>T (NM_001408483.1, NM_001408481.1, NM_001408480.1 and 9 more transcripts); c.665-1795G>T (NM_001408442.1, NM_001408426.1, NM_001408436.1 and 12 more transcripts); c.2491G>T, p.Glu831Ter (NM_001407571.1, NM_001407853.1, NM_001407894.1 and 9 more transcripts); and 41 more; short protein forms E606*, E791*, E832*, E854*, E861*, E734*, E876*, E899*.
Identifiers: ClinVar variation 4625385 (VCV004625385.1).

ClinVar aggregate classification (germline): Pathogenic (1 of 4 stars; one submission).

Conditions:
Hereditary cancer-predisposing syndrome. Also called: Neoplastic Syndromes, Hereditary; Tumor predisposition; Hereditary Cancer Syndrome; Hereditary neoplastic syndrome. Identifiers: Orphanet 140162, MedGen C0027672, MeSH D009386, MONDO:0015356.

Submission:

Ambry Genetics
Classification: Pathogenic for Hereditary cancer-predisposing syndrome. Last evaluated: 2025-11-13. Review status: criteria provided, single submitter. Criteria: Ambry Variant Classification Scheme 2023. Collection method: clinical testing. Allele origin: germline.
Comment: The p.E902* pathogenic mutation (also known as c.2704G>T), located in coding exon 9 of the BRCA1 gene, results from a G to T substitution at nucleotide position 2704. This changes the amino acid from a glutamic acid to a stop codon within coding exon 9. This variant is considered to be rare based on population cohorts in the Genome Aggregation Database (gnomAD). This alteration is expected to result in loss of function by premature protein truncation or nonsense-mediated mRNA decay. As such, this alteration is interpreted as a disease-causing mutation.